The following is an entry in ClinVar:

ClinVar aggregate classification (germline): Uncertain significance. Review status: criteria provided, multiple submitters, no conflicts (2 of 4 stars). 2 submissions from 2 submitters: Uncertain significance (2). Last evaluated 2025-08-29.

Conditions:
Cardiovascular phenotype. Identifiers: MedGen CN230736.
Dilated cardiomyopathy 1DD (CMD1DD). Identifiers: Orphanet 154, MedGen C2750995, MONDO:0013168, OMIM 613172.

Allele frequency attached by ClinVar (database versions not stated): gnomAD exomes below 0.00001; gnomAD 0.00001; TOPMed 0.00001.
gnomAD v4.1: 5 of 1,529,006 alleles (0.00033%); highest among the groups gnomAD compares: African/African-American, 0.0057%; no homozygotes.

Submissions (2):

Labcorp Genetics (formerly Invitae), Labcorp
Classification: Uncertain significance for Dilated cardiomyopathy 1DD. Last evaluated: 2025-08-29. Review status: criteria provided, single submitter. Criteria: Invitae Variant Classification Sherloc (09022015). Collection method: clinical testing. Allele origin: germline.
Comment: This sequence change replaces proline, which is neutral and non-polar, with histidine, which is basic and polar, at codon 27 of the RBM20 protein (p.Pro27His). This variant is not present in population databases (gnomAD no frequency). This variant has not been reported in the literature in individuals affected with RBM20-related conditions. ClinVar contains an entry for this variant (Variation ID: 2497300). Invitae Evidence Modeling of protein sequence and biophysical properties (such as structural, functional, and spatial information, amino acid conservation, physicochemical variation, residue mobility, and thermodynamic stability) indicates that this missense variant is not expected to disrupt RBM20 protein function with a negative predictive value of 95%. In summary, the available evidence is currently insufficient to determine the role of this variant in disease. Therefore, it has been classified as a Variant of Uncertain Significance.

Ambry Genetics
Classification: Uncertain significance for Cardiovascular phenotype. Last evaluated: 2023-01-20. Review status: criteria provided, single submitter. Criteria: Ambry Variant Classification Scheme 2023. Collection method: clinical testing. Allele origin: germline.
Comment: The p.P27H variant (also known as c.80C>A), located in coding exon 1 of the RBM20 gene, results from a C to A substitution at nucleotide position 80. The proline at codon 27 is replaced by histidine, an amino acid with similar properties. This amino acid position is conserved. In addition, this alteration is predicted to be tolerated by in silico analysis. Since supporting evidence is limited at this time, the clinical significance of this alteration remains unclear.

NM_001134363.3(RBM20):c.80C>A (p.Pro27His)

Gene: RBM20 (RNA binding motif protein 20; plus strand). Cytogenetic location: 10q25.2.
Variant type: single nucleotide variant.
Coding change: c.80C>A on transcript NM_001134363.3 (MANE Select); coding-DNA position 80, C replaced by A.
Protein change: p.Pro27His; replaces proline 27 with histidine.
Molecular consequence: missense variant.
Genome position (GRCh38, 1-based): chr10:110,644,534, C>A. VCF-style: chr10-110644534-C-A. GRCh37 (hg19) VCF-style: chr10-112404292-C-A.
Other names: short protein forms P27H.
Identifiers: ClinVar variation 2497300 (VCV002497300.4), dbSNP rs1216101068, ClinGen allele CA378527555.
Genomic context (GRCh38, chr10:110,644,534, plus strand): 5'-TGAGCCAGGACGCGGACCCCAGCGGTCCGGAGCAGCCGGACAGAGTTGCCTGCAGTGTGC[C>A]TGGTGCCCGGGCGTCCCCGGCACCCTCCGGCCCGCGAGGGATGCAGCAGCCGCCGCCGCC-3'
Protein context (NP_001127835.2, residues 17-37): EQPDRVACSV[Pro27His]GARASPAPSG